The following is an entry in ClinVar:

ClinVar aggregate classification (germline): Uncertain significance (1 of 4 stars; one submission).

gnomAD v4.1: 8 of 1,614,016 alleles (0.0005%); highest among the groups gnomAD compares: Non-Finnish European, 0.00068%; no homozygotes.

Submission:

Labcorp Genetics (formerly Invitae), Labcorp
Classification: Uncertain significance. Last evaluated: 2024-01-02. Review status: criteria provided, single submitter. Criteria: Invitae Variant Classification Sherloc (09022015). Collection method: clinical testing. Allele origin: germline.
Comment: This sequence change replaces glycine, which is neutral and non-polar, with cysteine, which is neutral and slightly polar, at codon 419 of the COL10A1 protein (p.Gly419Cys). This variant is not present in population databases (gnomAD no frequency). This variant has not been reported in the literature in individuals affected with COL10A1-related conditions. ClinVar contains an entry for this variant (Variation ID: 1466625). Advanced modeling of protein sequence and biophysical properties (such as structural, functional, and spatial information, amino acid conservation, physicochemical variation, residue mobility, and thermodynamic stability) performed at Invitae indicates that this missense variant is expected to disrupt COL10A1 protein function with a positive predictive value of 80%. In summary, the available evidence is currently insufficient to determine the role of this variant in disease. Therefore, it has been classified as a Variant of Uncertain Significance.

NM_000493.4(COL10A1):c.1255G>T (p.Gly419Cys)

Genes: COL10A1 (collagen type X alpha 1 chain; minus strand), NT5DC1 (5'-nucleotidase domain containing 1; plus strand). Cytogenetic location: 6q22.1.
Variant type: single nucleotide variant.
Coding change: c.1255G>T on transcript NM_000493.4 (MANE Select); coding-DNA position 1255, G replaced by T.
Protein change: p.Gly419Cys; replaces glycine 419 with cysteine.
Molecular consequence: missense variant. On other transcripts: intron variant (1).
Genome position (GRCh38, 1-based): chr6:116,120,861, C>A on the plus strand (G>T on the coding strand, the complement: COL10A1 is on the minus strand). VCF-style: chr6-116120861-C-A. GRCh37 (hg19) VCF-style: chr6-116442024-C-A.
Other names: c.1255G>T, p.Gly419Cys (NM_001424106.1, NM_001424107.1); c.529+2916C>A (NM_152729.3); short protein forms G419C.
Identifiers: ClinVar variation 1466625 (VCV001466625.8), dbSNP rs369941065, ClinGen allele CA365388730.